The following is an entry in ClinVar:

ClinVar aggregate classification (germline): Uncertain significance (1 of 4 stars; one submission).

Submission:

GeneDx
Classification: Uncertain significance. Last evaluated: 2024-07-20. Review status: criteria provided, single submitter. Criteria: GeneDx Variant Classification Process June 2021. Collection method: clinical testing. Allele origin: germline. Affected: yes.
Comment: Not observed at significant frequency in large population cohorts (gnomAD); In silico analysis supports that this missense variant has a deleterious effect on protein structure/function; Has not been previously published as pathogenic or benign to our knowledge

NM_001429.4(EP300):c.5063A>T (p.Asp1688Val)

Gene: EP300 (E1A binding protein p300; plus strand). Cytogenetic location: 22q13.2.
Variant type: single nucleotide variant.
Coding change: c.5063A>T on transcript NM_001429.4 (MANE Select); coding-DNA position 5063, A replaced by T.
Protein change: p.Asp1688Val; replaces aspartic acid 1688 with valine.
Molecular consequence: missense variant.
Genome position (GRCh38, 1-based): chr22:41,176,774, A>T. VCF-style: chr22-41176774-A-T. GRCh37 (hg19) VCF-style: chr22-41572778-A-T.
Other names: c.4985A>T, p.Asp1662Val (NM_001362843.2); short protein forms D1662V, D1688V.
Identifiers: ClinVar variation 3602289 (VCV003602289.1).